The following is an entry in ClinVar:

ClinVar aggregate classification (germline): Uncertain significance. Review status: criteria provided, multiple submitters, no conflicts (2 of 4 stars). 2 submissions from 2 submitters: Uncertain significance (2). Last evaluated 2023-07-19.

Conditions:
Inborn genetic diseases. Identifiers: MedGen C0950123, MeSH D030342.

Allele frequency attached by ClinVar (database versions not stated): gnomAD 0.00001.
gnomAD v4.1: 4 of 1,562,328 alleles (0.00026%); highest among the groups gnomAD compares: Middle Eastern, 0.017%; no homozygotes.

Submissions (2):

Ambry Genetics
Classification: Uncertain significance for Inborn genetic diseases. Last evaluated: 2023-07-19. Review status: criteria provided, single submitter. Criteria: Ambry Variant Classification Scheme 2023. Collection method: clinical testing. Allele origin: germline.

Labcorp Genetics (formerly Invitae), Labcorp
Classification: Uncertain significance. Last evaluated: 2022-08-06. Review status: criteria provided, single submitter. Criteria: Invitae Variant Classification Sherloc (09022015). Collection method: clinical testing. Allele origin: germline.
Comment: In summary, the available evidence is currently insufficient to determine the role of this variant in disease. Therefore, it has been classified as a Variant of Uncertain Significance. This sequence change replaces proline, which is neutral and non-polar, with threonine, which is neutral and polar, at codon 791 of the MAST1 protein (p.Pro791Thr). The frequency data for this variant in the population databases is considered unreliable, as metrics indicate poor data quality at this position in the gnomAD database. This variant has not been reported in the literature in individuals affected with MAST1-related conditions. Algorithms developed to predict the effect of missense changes on protein structure and function are either unavailable or do not agree on the potential impact of this missense change (SIFT: "Tolerated"; PolyPhen-2: "Possibly Damaging"; Align-GVGD: "Class C0").

NM_014975.3(MAST1):c.2371C>A (p.Pro791Thr)

Genes: MAST1 (microtubule associated serine/threonine kinase 1; plus strand), LOC112543452 (Sharpr-MPRA regulatory region 6054; plus strand). Cytogenetic location: 19p13.13.
Variant type: single nucleotide variant.
Coding change: c.2371C>A on transcript NM_014975.3 (MANE Select); coding-DNA position 2371, C replaced by A.
Protein change: p.Pro791Thr; replaces proline 791 with threonine.
Molecular consequence: missense variant.
Genome position (GRCh38, 1-based): chr19:12,867,782, C>A. VCF-style: chr19-12867782-C-A. GRCh37 (hg19) VCF-style: chr19-12978596-C-A.
Other names: c.2371C>A (NM_014975.2); short protein forms P791T.
Identifiers: ClinVar variation 1985675 (VCV001985675.6), dbSNP rs767676816, ClinGen allele CA9233130.